The following is an entry in ClinVar:

NM_021100.5(NFS1):c.987G>A (p.Leu329=)

Gene: NFS1 (NFS1 cysteine desulfurase; minus strand). Cytogenetic location: 20q11.22.
Variant type: single nucleotide variant.
Coding change: c.987G>A on transcript NM_021100.5 (MANE Select); coding-DNA position 987, G replaced by A.
Protein change: p.Leu329=; no amino-acid change (leucine 329 retained).
Molecular consequence: synonymous variant. On other transcripts: non-coding transcript variant (1).
Genome position (GRCh38, 1-based): chr20:35,674,579, C>T on the plus strand (G>A on the coding strand, the complement: NFS1 is on the minus strand). VCF-style: chr20-35674579-C-T. GRCh37 (hg19) VCF-style: chr20-34262501-C-T.
Other names: c.834G>A, p.Leu278= (NM_001198989.2).
Identifiers: ClinVar variation 5039591 (VCV005039591.1).
Genomic context (GRCh38, chr20:35,674,579, plus strand): 5'-ATGGTGCTTAGGGTCCCCATTCATCACCACATCTGGAAGGCTCTTCATTATATTCTGTAT[C>T]AGCCGCTCTGACAACTTTGAGATTCGCTTGTGGTCATACTAAGGAGCAGGCAAGGAAGGA-3'
Protein context (NP_066923.3, residues 319-339): HKRISKLSER[Leu329=]IQNIMKSLPD

ClinVar aggregate classification (germline): Likely benign (1 of 4 stars; one submission).

Submission:

CeGaT Center for Human Genetics Tuebingen
Classification: Likely benign. Last evaluated: 2026-08-01. Review status: criteria provided, single submitter. Criteria: CeGaT Center For Human Genetics Tuebingen Variant Classification Criteria Version 2. Collection method: clinical testing. Allele origin: germline. Affected: yes. Observed: 1 variant allele.
Comment: NFS1: PM2:Supporting, BP4, BP7